The following is an entry in ClinVar:

ClinVar aggregate classification (germline): Uncertain significance. Review status: criteria provided, multiple submitters, no conflicts (2 of 4 stars). 2 submissions from 2 submitters: Uncertain significance (2). Last evaluated 2026-06-29.

Conditions:
Charcot-Marie-Tooth disease axonal type 2Z. Also called: CHARCOT-MARIE-TOOTH DISEASE, AXONAL, AUTOSOMAL DOMINANT, TYPE 2Z; CHARCOT-MARIE-TOOTH NEUROPATHY, TYPE 2Z. Identifiers: Orphanet 466768, MedGen C5569025, MONDO:0014736, OMIM 616688.
MORC2-related disorder. Also called: MORC2-related condition.

Submissions (2):

PreventionGenetics, part of Exact Sciences
Classification: Uncertain significance for MORC2-related condition. Last evaluated: 2026-06-29. Review status: criteria provided, single submitter. Criteria: ACMG Guidelines, 2015. Collection method: clinical testing. Allele origin: germline.
Comment: The MORC2 c.2250_2252delGGA variant is predicted to result in an in-frame deletion (p.Glu751del). This variant has been reported as a de novo variant in an individual from a large cohort study of individuals with developmental disorders (Supp. Table 1. Reported as 22:31330120 in Kaplanis et al. 2020. PubMed ID: 33057194; Supp. Table 3, Zhou et al. 2022. PubMed ID: 35982159). This variant has not been reported in a large population database (gnomAD), indicating this variant is rare. At this time, the clinical significance of this variant is uncertain due to the absence of conclusive functional and genetic evidence.

Labcorp Genetics (formerly Invitae), Labcorp
Classification: Uncertain significance for Charcot-Marie-Tooth disease axonal type 2Z. Last evaluated: 2024-02-08. Review status: criteria provided, single submitter. Criteria: Invitae Variant Classification Sherloc (09022015). Collection method: clinical testing. Allele origin: germline.
Comment: This variant, c.2250_2252del, results in the deletion of 1 amino acid(s) of the MORC2 protein (p.Glu751del), but otherwise preserves the integrity of the reading frame. This variant is not present in population databases (gnomAD no frequency). This variant has not been reported in the literature in individuals affected with MORC2-related conditions. Experimental studies and prediction algorithms are not available or were not evaluated, and the functional significance of this variant is currently unknown. In summary, the available evidence is currently insufficient to determine the role of this variant in disease. Therefore, it has been classified as a Variant of Uncertain Significance.

NM_001303256.3(MORC2):c.2247GGA[1] (p.Glu751del)

Gene: MORC2 (MORC family CW-type zinc finger 2; minus strand). Cytogenetic location: 22q12.2.
Variant type: Microsatellite.
Coding change: c.2247GGA[1] on transcript NM_001303256.3 (MANE Select); one copy of the 3-base unit GGA starting at c.2247; the reference has two copies in a row; one copy, 3 bases deleted.
Protein change: p.Glu751del; deletes glutamic acid 751.
Molecular consequence: inframe deletion.
Genome position (GRCh38, 1-based): chr22:30,934,133-30,934,135, TCC deleted on the plus strand (GGA on the coding strand, the reverse complement: MORC2 is on the minus strand); deleting any 3 consecutive bases within chr22:30,934,133-30,934,140 gives the same sequence; the position shown is the placement nearest the transcript's 3' end. VCF-style (leftmost placement, unchanged base first): chr22-30934132-TTCC-T. GRCh37 (hg19) VCF-style: chr22-31330119-TTCC-T.
Other names: c.2250_2252delGGA (NM_001303256.2); c.2247GGA[1], p.Glu751del (NM_001303257.2); c.2061GGA[1], p.Glu689del (NM_014941.3); short protein forms E751del, E689del.
Identifiers: ClinVar variation 566523 (VCV000566523.10), dbSNP rs1247915167, ClinGen allele CA752383396.